The following is an entry in ClinVar:

ClinVar aggregate classification (germline): Pathogenic/Likely pathogenic. Review status: criteria provided, multiple submitters, no conflicts (2 of 4 stars). 2 submissions from 2 submitters: Pathogenic (1); Likely pathogenic (1). Last evaluated 2024-10-23.

Conditions:
TTLL5-related disorder. Also called: TTLL5-related condition.

Submissions (2):

Blueprint Genetics
Classification: Likely pathogenic for TTLL5-related disorders. Last evaluated: 2024-10-23. Review status: criteria provided, single submitter. Criteria: ACMG Guidelines, 2015. Collection method: clinical testing. Allele origin: germline. Affected: yes. Observed: 2 variant alleles.

Labcorp Genetics (formerly Invitae), Labcorp
Classification: Pathogenic. Last evaluated: 2024-01-30. Review status: criteria provided, single submitter. Criteria: Invitae Variant Classification Sherloc (09022015). Collection method: clinical testing. Allele origin: germline.
Comment: This sequence change creates a premature translational stop signal (p.Arg188Glyfs*5) in the TTLL5 gene. It is expected to result in an absent or disrupted protein product. Loss-of-function variants in TTLL5 are known to be pathogenic (PMID: 24791901, 27162334). This variant is present in population databases (rs746069709, gnomAD 0.0009%). This variant has not been reported in the literature in individuals affected with TTLL5-related conditions. For these reasons, this variant has been classified as Pathogenic.

Literature cited by the submitters: PubMed 24791901 (cited by Labcorp Genetics (formerly Invitae), Labcorp); PubMed 27162334 (cited by Labcorp Genetics (formerly Invitae), Labcorp).

NM_015072.5(TTLL5):c.561del (p.Arg188fs)

Gene: TTLL5 (tubulin tyrosine ligase like 5; plus strand). Cytogenetic location: 14q24.3.
Variant type: Deletion.
Coding change: c.561del on transcript NM_015072.5 (MANE Select); coding-DNA position 561, one base deleted (G; older notation c.561delG).
Protein change: p.Arg188fs; shifts the reading frame from arginine 188.
Molecular consequence: frameshift variant.
Genome position (GRCh38, 1-based): chr14:75,699,246, G deleted; the last of 5 consecutive G bases (chr14:75,699,242-75,699,246); deleting any one gives the same sequence. VCF-style (leftmost placement, unchanged base first): chr14-75699241-AG-A. GRCh37 (hg19) VCF-style: chr14-76165584-AG-A.
Other names: short protein forms R188fs.
Identifiers: ClinVar variation 2994992 (VCV002994992.4), dbSNP rs746069709, ClinGen allele CA7278970.